The following is an entry in ClinVar:

NM_000059.4(BRCA2):c.8396dup (p.Pro2800fs)

Gene: BRCA2 (BRCA2 DNA repair associated; plus strand). Cytogenetic location: 13q13.1.
Variant type: Duplication.
Coding change: c.8396dup on transcript NM_000059.4 (MANE Select); coding-DNA position 8396, one base duplicated (G; older notation c.8396dupG).
Protein change: p.Pro2800fs; shifts the reading frame from proline 2800.
Molecular consequence: frameshift variant.
Genome position (GRCh38, 1-based): chr13:32,370,466, G duplicated. VCF-style (leftmost placement, unchanged base first): chr13-32370465-A-AG. GRCh37 (hg19) VCF-style: chr13-32944602-A-AG.
Other names: c.8396dupG (NM_000059.3); short protein forms P2800fs.
Identifiers: ClinVar variation 440435 (VCV000440435.4), dbSNP rs1555287629, ClinGen allele CA645509334.

ClinVar aggregate classification (germline): Pathogenic. Review status: reviewed by expert panel (3 of 4 stars). 2 submissions from 2 submitters: Pathogenic (1). 1 of the submissions does not count toward it. Last evaluated 2017-12-15.

Conditions:
Breast-ovarian cancer, familial, susceptibility to, 2 (BROVCA2). Also called: BRCA2 Hereditary Breast and Ovarian Cancer. Identifiers: Orphanet 145, MedGen C2675520, MONDO:0012933, OMIM 612555. Disease mechanism: loss of function.

Submissions (2):

Evidence-based Network for the Interpretation of Germline Mutant Alleles (ENIGMA)
Classification: Pathogenic for Breast-ovarian cancer, familial, susceptibility to, 2. Last evaluated: 2017-12-15. Review status: reviewed by expert panel. Criteria: ENIGMA BRCA1/2 Classification Criteria (2017-06-29). Collection method: curation. Allele origin: germline. Study: ENIGMA.
Comment: Variant allele predicted to encode a truncated non-functional protein.

Department of Medical Genetics, Oslo University Hospital
Classification: Pathogenic for Breast-ovarian cancer, familial, susceptibility to, 2. Last evaluated: 2016-07-08. Review status: criteria provided, single submitter. Criteria: ACMG Guidelines, 2015. Collection method: clinical testing. Allele origin: germline. Affected: yes. Observed: 9 variant alleles. Not counted in ClinVar's aggregate classification.